The following is an entry in ClinVar:

NM_032271.3(TRAF7):c.652G>A (p.Ala218Thr)

Gene: TRAF7 (TNF receptor associated factor 7; plus strand). Cytogenetic location: 16p13.3.
Variant type: single nucleotide variant.
Coding change: c.652G>A on transcript NM_032271.3 (MANE Select); coding-DNA position 652, G replaced by A.
Protein change: p.Ala218Thr; replaces alanine 218 with threonine.
Molecular consequence: missense variant.
Genome position (GRCh38, 1-based): chr16:2,172,367, G>A. VCF-style: chr16-2172367-G-A. GRCh37 (hg19) VCF-style: chr16-2222368-G-A.
Other names: short protein forms A218T.
Identifiers: ClinVar variation 4873397 (VCV004873397.2).
Genomic context (GRCh38, chr16:2,172,367, plus strand): 5'-GGGAAGCCCCCCATCTTTGAGGTGGACCCCCGAGGGTGCCCCTTCACCATCAAGCTCAGC[G>A]CCCGGAAGTAAGTGCCCCTCCCTGGGCACCTCTGCCTCCCTGGGGGCTGCTTCTCAGGGC-3'
Protein context (NP_115647.2, residues 208-228): RGCPFTIKLS[Ala218Thr]RKDHEGSCDY

ClinVar aggregate classification (germline): Likely benign (1 of 4 stars; one submission).

gnomAD v4.1: 34 of 1,611,662 alleles (0.0021%); highest among the groups gnomAD compares: African/African-American, 0.013%; no homozygotes.

Submission:

CeGaT Center for Human Genetics Tuebingen
Classification: Likely benign. Last evaluated: 2026-05-01. Review status: criteria provided, single submitter. Criteria: CeGaT Center For Human Genetics Tuebingen Variant Classification Criteria Version 2. Collection method: clinical testing. Allele origin: germline. Affected: yes. Observed: 1 variant allele.
Comment: TRAF7: BP4